The following is an entry in ClinVar:

NM_005120.3(MED12):c.782G>A (p.Cys261Tyr)

Gene: MED12 (mediator complex subunit 12; plus strand). Cytogenetic location: Xq13.1.
Variant type: single nucleotide variant.
Coding change: c.782G>A on transcript NM_005120.3 (MANE Select); coding-DNA position 782, G replaced by A.
Protein change: p.Cys261Tyr; replaces cysteine 261 with tyrosine.
Molecular consequence: missense variant.
Genome position (GRCh38, 1-based): chrX:71,121,373, G>A. VCF-style: chrX-71121373-G-A. GRCh37 (hg19) VCF-style: chrX-70341223-G-A.
Other names: short protein forms C261Y.
Identifiers: ClinVar variation 3772252 (VCV003772252.13).

ClinVar aggregate classification (germline): Uncertain significance (1 of 4 stars; one submission).

Submission:

CeGaT Center for Human Genetics Tuebingen
Classification: Uncertain significance. Last evaluated: 2025-01-01. Review status: criteria provided, single submitter. Criteria: CeGaT Center For Human Genetics Tuebingen Variant Classification Criteria Version 2. Collection method: clinical testing. Allele origin: germline. Affected: yes. Observed: 1 variant allele.
Comment: MED12: PM2